The following is an entry in ClinVar:

NM_000168.6(GLI3):c.309G>A (p.Pro103=)

Gene: GLI3 (GLI family zinc finger 3; minus strand). Cytogenetic location: 7p14.1.
Variant type: single nucleotide variant.
Coding change: c.309G>A on transcript NM_000168.6 (MANE Select); coding-DNA position 309, G replaced by A.
Protein change: p.Pro103=; no amino-acid change (proline 103 retained).
Molecular consequence: synonymous variant.
Genome position (GRCh38, 1-based): chr7:42,148,284, C>T on the plus strand (G>A on the coding strand, the complement: GLI3 is on the minus strand). VCF-style: chr7-42148284-C-T. GRCh37 (hg19) VCF-style: chr7-42187883-C-T.
Identifiers: ClinVar variation 3239213 (VCV003239213.19), dbSNP rs144649445.

ClinVar aggregate classification (germline): Likely benign (1 of 4 stars; one submission).

Allele frequency attached by ClinVar (database versions not stated): ExAC 0.00003; gnomAD 0.00005; gnomAD exomes 0.00006; TOPMed 0.00006; ESP Exome Variant Server 0.00015.
gnomAD v4.1: 92 of 1,613,048 alleles (0.0057%); highest among the groups gnomAD compares: Middle Eastern, 0.016%; no homozygotes.

Submission:

CeGaT Center for Human Genetics Tuebingen
Classification: Likely benign. Last evaluated: 2024-05-01. Review status: criteria provided, single submitter. Criteria: CeGaT Center For Human Genetics Tuebingen Variant Classification Criteria Version 2. Collection method: clinical testing. Allele origin: germline. Affected: yes. Observed: 1 variant allele.
Comment: GLI3: BP4, BP7